The following is an entry in ClinVar:

ClinVar aggregate classification (germline): Uncertain significance (1 of 4 stars; one submission).

Conditions:
Cardiovascular phenotype. Identifiers: MedGen CN230736.

Submission:

Ambry Genetics
Classification: Uncertain significance for Cardiovascular phenotype. Last evaluated: 2025-03-04. Review status: criteria provided, single submitter. Criteria: Ambry Variant Classification Scheme 2023. Collection method: clinical testing. Allele origin: germline.
Comment: The p.H839N variant (also known as c.2515C>A), located in coding exon 18 of the DSP gene, results from a C to A substitution at nucleotide position 2515. The histidine at codon 839 is replaced by asparagine, an amino acid with similar properties. This amino acid position is conserved. In addition, this alteration is predicted to be tolerated by in silico analysis. Based on the available evidence, the clinical significance of this variant remains unclear.

NM_004415.4(DSP):c.2515C>A (p.His839Asn)

Gene: DSP (desmoplakin; plus strand). Cytogenetic location: 6p24.3.
Variant type: single nucleotide variant.
Coding change: c.2515C>A on transcript NM_004415.4 (MANE Select); coding-DNA position 2515, C replaced by A.
Protein change: p.His839Asn; replaces histidine 839 with asparagine.
Molecular consequence: missense variant.
Genome position (GRCh38, 1-based): chr6:7,575,373, C>A. VCF-style: chr6-7575373-C-A. GRCh37 (hg19) VCF-style: chr6-7575606-C-A.
Other names: c.2515C>A, p.His839Asn (NM_001008844.3, NM_001319034.2); short protein forms H839N.
Identifiers: ClinVar variation 3842705 (VCV003842705.1).